The following is an entry in ClinVar:

NM_001953.5(TYMP):c.750G>A (p.Glu250=)

Gene: TYMP (thymidine phosphorylase; minus strand). Cytogenetic location: 22q13.33.
Variant type: single nucleotide variant.
Coding change: c.750G>A on transcript NM_001953.5 (MANE Select); coding-DNA position 750, G replaced by A.
Protein change: p.Glu250=; no amino-acid change (glutamic acid 250 retained).
Molecular consequence: synonymous variant.
Genome position (GRCh38, 1-based): chr22:50,527,180, C>T on the plus strand (G>A on the coding strand, the complement: TYMP is on the minus strand). VCF-style: chr22-50527180-C-T. GRCh37 (hg19) VCF-style: chr22-50965609-C-T.
Other names: c.750G>A (NM_001953.4); c.750G>A, p.Glu250= (NM_001113755.3, NM_001113756.3, NM_001257988.1 and 1 more transcripts).
Identifiers: ClinVar variation 1382737 (VCV001382737.10), dbSNP rs376136076, ClinGen allele CA10321584.

ClinVar aggregate classification (germline): Likely benign. Review status: criteria provided, single submitter (1 of 4 stars). 2 submissions from 2 submitters: Likely benign (1). 1 of the submissions does not count toward it. Last evaluated 2023-03-21.

Conditions:
TYMP-related disorder. Also called: TYMP-related condition.

Allele frequency attached by ClinVar (database versions not stated): gnomAD exomes below 0.00001 and 0.00001; ExAC 0.00002; gnomAD 0.00002; TOPMed 0.00002; ESP Exome Variant Server 0.00008.

Submissions (2):

Labcorp Genetics (formerly Invitae), Labcorp
Classification: Likely benign. Last evaluated: 2023-03-21. Review status: criteria provided, single submitter. Criteria: Invitae Variant Classification Sherloc (09022015). Collection method: clinical testing. Allele origin: germline.

PreventionGenetics, part of Exact Sciences
Classification: Likely benign for TYMP-related condition. Last evaluated: 2021-09-20. Review status: no assertion criteria provided. Collection method: clinical testing. Allele origin: germline. Not counted in ClinVar's aggregate classification.
Comment: This variant is classified as likely benign based on ACMG/AMP sequence variant interpretation guidelines (Richards et al. 2015 PMID: 25741868, with internal and published modifications).